The following is an entry in ClinVar:

ClinVar aggregate classification (germline): Likely benign. Review status: criteria provided, single submitter (1 of 4 stars). 2 submissions from 2 submitters: Likely benign (1). 1 of the submissions does not count toward it. Last evaluated 2026-01-09.

Conditions:
DDHD1-related disorder. Also called: DDHD1-related condition.
Hereditary spastic paraplegia 28. Also called: Spastic paraplegia 28, autosomal recessive. Identifiers: Orphanet 101008, MedGen C1836295, MONDO:0012256, OMIM 609340.

Allele frequency attached by ClinVar (database versions not stated): gnomAD below 0.00001 and 0.00010; TOPMed 0.00001; 1000 Genomes Project 0.00040; gnomAD exomes 0.00047; 1000 Genomes Project 30x 0.00062; ExAC 0.00132.
gnomAD v4.1: 272 of 1,553,614 alleles (0.018%); highest among the groups gnomAD compares: South Asian, 0.3%; 1 homozygote.

Submissions (2):

Labcorp Genetics (formerly Invitae), Labcorp
Classification: Likely benign for Hereditary spastic paraplegia 28. Last evaluated: 2026-01-09. Review status: criteria provided, single submitter. Criteria: Invitae Variant Classification Sherloc (09022015). Collection method: clinical testing. Allele origin: germline.

PreventionGenetics, part of Exact Sciences
Classification: Likely benign for DDHD1-related condition. Last evaluated: 2023-11-16. Review status: no assertion criteria provided. Collection method: clinical testing. Allele origin: germline. Not counted in ClinVar's aggregate classification.
Comment: This variant is classified as likely benign based on ACMG/AMP sequence variant interpretation guidelines (Richards et al. 2015 PMID: 25741868, with internal and published modifications).

NM_001160148.2(DDHD1):c.110G>C (p.Gly37Ala)

Gene: DDHD1 (DDHD domain containing 1; minus strand). Cytogenetic location: 14q22.1.
Variant type: single nucleotide variant.
Coding change: c.110G>C on transcript NM_001160148.2 (MANE Select); coding-DNA position 110, G replaced by C.
Protein change: p.Gly37Ala; replaces glycine 37 with alanine.
Molecular consequence: missense variant.
Genome position (GRCh38, 1-based): chr14:53,152,989, C>G on the plus strand (G>C on the coding strand, the complement: DDHD1 is on the minus strand). VCF-style: chr14-53152989-C-G. GRCh37 (hg19) VCF-style: chr14-53619707-C-G.
Other names: c.110G>C, p.Gly37Ala (NM_001160147.2, NM_030637.3); short protein forms G37A.
Identifiers: ClinVar variation 702126 (VCV000702126.10), dbSNP rs553631939, ClinGen allele CA7191591.
Genomic context (GRCh38, chr14:53,152,989, plus strand): 5'-GCCAGGGGCACGTCGCCGTCGTCCGGGTCCCCGCCGGGCAGGTGCTCGAAGCAGCAGACG[C>G]CGCCGCCGAACGCTGGCCTCGCGTCTGAGCCCAGCTCCCAGGCGCCGCCGCCGCCGCCTC-3'
Protein context (NP_001153620.1, residues 27-47): GSDARPAFGG[Gly37Ala]VCCFEHLPGG